The following is an entry in ClinVar:

ClinVar aggregate classification (germline): Uncertain significance (1 of 4 stars; one submission).

Submission:

GeneDx
Classification: Uncertain significance. Last evaluated: 2023-12-05. Review status: criteria provided, single submitter. Criteria: GeneDx Variant Classification Process June 2021. Collection method: clinical testing. Allele origin: germline. Affected: yes.
Comment: Not observed at significant frequency in large population cohorts (gnomAD); In silico analysis supports that this missense variant has a deleterious effect on protein structure/function; Has not been previously published as pathogenic or benign to our knowledge

NM_022173.4(TIA1):c.857A>C (p.Glu286Ala)

Gene: TIA1 (TIA1 cytotoxic granule associated RNA binding protein; minus strand). Cytogenetic location: 2p13.3.
Variant type: single nucleotide variant.
Coding change: c.857A>C on transcript NM_022173.4 (MANE Select); coding-DNA position 857, A replaced by C.
Protein change: p.Glu286Ala; replaces glutamic acid 286 with alanine.
Molecular consequence: missense variant. On other transcripts: non-coding transcript variant (17).
Genome position (GRCh38, 1-based): chr2:70,215,402, T>G on the plus strand (A>C on the coding strand, the complement: TIA1 is on the minus strand). VCF-style: chr2-70215402-T-G. GRCh37 (hg19) VCF-style: chr2-70442534-T-G.
Other names: c.857A>C, p.Glu286Ala (NM_001351508.2); c.830A>C, p.Glu277Ala (NM_001351509.2); c.824A>C, p.Glu275Ala (NM_001351510.2, NM_022037.4); c.746A>C, p.Glu249Ala (NM_001351511.1); c.719A>C, p.Glu240Ala (NM_001351512.1); c.713A>C, p.Glu238Ala (NM_001351513.1); c.629A>C, p.Glu210Ala (NM_001351514.2); c.554A>C, p.Glu185Ala (NM_001351515.2); and 1 more; short protein forms E146A, E185A, E210A, E238A, E240A, E249A, E275A, E277A.
Identifiers: ClinVar variation 3365234 (VCV003365234.1).
Genomic context (GRCh38, chr2:70,215,402, plus strand): 5'-TTACTTCTCAAAGTTAAGAACCCTCTCACCTGTTGCACGGGATTTATCATATCAAGAGTT[T>G]CTTTGCCCCAATAGCATTTCACAACATGACCTTCAATGGTAGTACCATTAACAGAAACAA-3'
Protein context (NP_071505.2, residues 276-296): GHVVKCYWGK[Glu286Ala]TLDMINPVQQ